The following is an entry in ClinVar:

NM_032043.3(BRIP1):c.3374_3376del (p.Ala1125del)

Gene: BRIP1 (BRCA1 interacting DNA helicase 1; minus strand). Cytogenetic location: 17q23.2.
Variant type: Deletion.
Coding change: c.3374_3376del on transcript NM_032043.3 (MANE Select); coding-DNA positions 3374 to 3376, 3 bases deleted (CAG; older notation c.3374_3376delCAG).
Protein change: p.Ala1125del; deletes alanine 1125.
Molecular consequence: inframe deletion.
Genome position (GRCh38, 1-based): chr17:61,683,670-61,683,672, CTG deleted on the plus strand (CAG on the coding strand, the reverse complement: BRIP1 is on the minus strand); deleting any 3 consecutive bases within chr17:61,683,670-61,683,674 gives the same sequence; the c. name uses the placement nearest the transcript's 3' end. VCF-style (leftmost placement, unchanged base first): chr17-61683669-TCTG-T. GRCh37 (hg19) VCF-style: chr17-59761030-TCTG-T.
Other names: c.3374_3376delCAG (NM_032043.2, NM_032043.3); short protein forms A1125del.
Identifiers: ClinVar variation 188402 (VCV000188402.30), dbSNP rs745344948, ClinGen allele CA334785.
Genomic context (GRCh38, chr17:61,683,669, plus strand): 5'-TTTTCTTCATCTGTATCTTCAGGATCATAAAGTTCAGGTGTAAAATAGATAGATTCATCT[TCTG>T]CTTCTGTTTCAAAATCTCTATTTGAAGTGGACTGTTTATCTTCTTCACTTACTAGAGACA-3'

ClinVar aggregate classification (germline): Uncertain significance. Review status: criteria provided, multiple submitters, no conflicts (2 of 4 stars). 9 submissions from 9 submitters: Uncertain significance (8). 1 of the submissions does not count toward it. Last evaluated 2025-07-30.

Conditions:
Breast and/or ovarian cancer. Identifiers: MedGen CN221562.
Familial cancer of breast. Also called: BREAST CANCER, FAMILIAL; Hereditary breast cancer; hereditary breast carcinoma. Identifiers: Orphanet 227535, MedGen C0346153, MONDO:0016419, OMIM 114480. Disease mechanism: loss of function.
Fanconi anemia complementation group J. Also called: BRIP1-Related Fanconi Anemia. Identifiers: Orphanet 84, MedGen C1836860, MONDO:0012187, OMIM 609054.
Hereditary cancer-predisposing syndrome. Also called: Hereditary Cancer Syndrome; Neoplastic Syndromes, Hereditary; Tumor predisposition; Hereditary neoplastic syndrome. Identifiers: Orphanet 140162, MedGen C0027672, MeSH D009386, MONDO:0015356.
Familial ovarian cancer. Identifiers: MedGen C5679802, MONDO:0016248.
BRIP1-related disorder. Also called: BRIP1-related condition; BRIP1-related disorders. Identifiers: MedGen CN239206.
Malignant tumor of breast. Also called: Cancer breast; Malignant breast neoplasm. Identifiers: MedGen C0006142, MONDO:0007254. Disease mechanism: loss of function.

Submissions (9):

Labcorp Genetics (formerly Invitae), Labcorp
Classification: Uncertain significance for Familial cancer of breast; Fanconi anemia complementation group J. Last evaluated: 2025-07-30. Review status: criteria provided, single submitter. Criteria: Invitae Variant Classification Sherloc (09022015). Collection method: clinical testing. Allele origin: germline.
Comment: This variant, c.3374_3376del, results in the deletion of 1 amino acid(s) of the BRIP1 protein (p.Ala1125del), but otherwise preserves the integrity of the reading frame. This variant is present in population databases (rs745344948, gnomAD 0.01%). This variant has not been reported in the literature in individuals affected with BRIP1-related conditions. ClinVar contains an entry for this variant (Variation ID: 188402). Experimental studies and prediction algorithms are not available or were not evaluated, and the functional significance of this variant is currently unknown. In summary, the available evidence is currently insufficient to determine the role of this variant in disease. Therefore, it has been classified as a Variant of Uncertain Significance.

Center for Genomic Medicine, Rigshospitalet, Copenhagen University Hospital
Classification: Uncertain significance. Last evaluated: 2025-03-04. Review status: criteria provided, single submitter. Criteria: ACMG Guidelines, 2015. Collection method: clinical testing. Allele origin: germline.

Molecular Diagnostics Laboratory, Catalan Institute of Oncology
Classification: Uncertain significance for Hereditary cancer-predisposing syndrome. Last evaluated: 2024-11-06. Review status: criteria provided, single submitter. Criteria: ACMG Guidelines, 2015. Collection method: clinical testing. Allele origin: germline.
Comment: c.3374_3376del, located in exon 20 of the BRIP1 gene, consists in the deletion of 3 nucleotides, predicted to cause an in-frame deletion of 1 amino acid p.(Ala1125del).This variant is found in 14/267468 alleles at a frequency of 0.005% in the gnomAD v2.1.1 database, non-cancer dataset. The SpliceAI algorithm predicts no significant impact on splicing . To our knowledge, neither relevant clinical data nor well-established functional studies have been reported for this variant. It has been reported in a breast cancer-affected patient (PMID:32885271). It has also been reported in 2 out of 5242 controls and none of 13,213 breast cancer patients (PMID: 26921362). This variant has been reported in the ClinVar database (7x uncertain significance) and has not been reported in LOVD. Based on currently available information, the variant c.3374_3376del should be considered an uncertain significance variant, according to ACMG/AMP classification guidelines.

Ambry Genetics
Classification: Uncertain significance for Hereditary cancer-predisposing syndrome. Last evaluated: 2024-07-19. Review status: criteria provided, single submitter. Criteria: Ambry Variant Classification Scheme 2023. Collection method: clinical testing. Allele origin: germline.
Comment: The c.3374_3376delCAG variant (also known as p.A1125del) is located in coding exon 19 of the BRIP1 gene. This variant results from an in-frame CAG deletion at nucleotide positions 3374 to 3376. This results in the in-frame deletion of an alanine at codon 1125. This variant was also observed in 1/3251 individuals who met eligibility criteria for hereditary breast and ovarian cancer syndrome (Lerner-Ellis J et al. J Cancer Res Clin Oncol, 2021 Mar;147:871-879) but was only present in control individuals in another breast cancer case-control study (Easton DF et al. J Med Genet, 2016 05;53:298-309). This amino acid position is not well conserved in available vertebrate species. In addition, this alteration is predicted to be neutral by in silico analysis (Choi Y et al. PLoS ONE. 2012; 7(10):e46688). Since supporting evidence is limited at this time, the clinical significance of this alteration remains unclear.

Molecular Pathology, Peter Maccallum Cancer Centre
Classification: Uncertain significance for Familial ovarian cancer. Last evaluated: 2024-04-22. Review status: criteria provided, single submitter. Criteria: ACMG Guidelines, 2015. Collection method: clinical testing. Allele origin: germline. Inheritance: Autosomal dominant inheritance.

GeneDx
Classification: Uncertain significance. Last evaluated: 2024-04-09. Review status: criteria provided, single submitter. Criteria: GeneDx Variant Classification Process June 2021. Collection method: clinical testing. Allele origin: germline. Affected: yes.
Comment: In-frame deletion of 1 amino acid in a non-repeat region; In silico analysis supports a deleterious effect on protein structure/function; Observed in individuals with a personal and family history of breast and/or ovarian cancer, as well as in unaffected control groups (PMID: 32885271, 26921362); This variant is associated with the following publications: (PMID: 32885271, 26921362)

CHEO Genetics Diagnostic Laboratory, Children's Hospital of Eastern Ontario
Classification: Uncertain significance for Breast and/or ovarian cancer. Last evaluated: 2023-04-14. Review status: criteria provided, single submitter. Criteria: ACMG Guidelines, 2015. Collection method: clinical testing. Allele origin: germline.

Color Diagnostics, LLC DBA Color Health
Classification: Uncertain significance for Hereditary cancer-predisposing syndrome. Last evaluated: 2021-01-05. Review status: criteria provided, single submitter. Criteria: ACMG Guidelines, 2015. Collection method: clinical testing. Allele origin: germline.
Comment: This variant causes an in-frame deletion of 1 amino acid of the BRIP1 protein. To our knowledge, functional studies have not been performed for this variant. This variant has not been reported in individuals affected with hereditary cancer in the literature. This variant has been identified in 14/250592 chromosomes in the general population by the Genome Aggregation Database (gnomAD). The available evidence is insufficient to determine the role of this variant in disease conclusively. Therefore, this variant is classified as a Variant of Uncertain Significance.

Department of Pathology and Laboratory Medicine, Sinai Health System
Classification: Uncertain significance for Malignant tumor of breast. Review status: no assertion criteria provided. Collection method: clinical testing. Allele origin: unknown. Affected: yes. Study: The Canadian Open Genetics Repository (COGR). Not counted in ClinVar's aggregate classification.
Comment: The BRIP1 p.Ala1125del variant was not identified in the literature. The variant was identified in dbSNP (ID: rs745344948) as "With Uncertain significance alleleâ€šÃ„Ã¹ and ClinVar (classified as uncertain significance by Invitae and GeneDx). The variant was identified in control databases in 14 of 245568 chromosomes at a frequency of 0.00006 (Genome Aggregation Database Feb 27, 2017). The variant was observed in the European population in 14 of 111430 chromosomes (freq: 0.0001), while the variant was not observed in the African, Ashkenazi Jewish, East Asian, Finnish, Latino, Other, or South Asian populations. This variant is an in-frame deletion resulting in the removal of Alanine (Ala) residue at codon 1125; the impact of this alteration on BRIP1 protein function is not known. In summary, based on the above information, the clinical significance of this variant cannot be determined with certainty at this time. This variant is classified as a variant of uncertain significance.

Literature cited by the submitters: PubMed 26921362 (cited by Ambry Genetics); PubMed 32885271 (cited by Ambry Genetics).